The following is an entry in ClinVar:

ClinVar aggregate classification (germline): Pathogenic (1 of 4 stars; one submission).

gnomAD v4.1: 4 of 1,612,738 alleles (0.00025%); highest among the groups gnomAD compares: South Asian, 0.0011%; no homozygotes.

Submission:

Labcorp Genetics (formerly Invitae), Labcorp
Classification: Pathogenic. Last evaluated: 2025-02-13. Review status: criteria provided, single submitter. Criteria: Invitae Variant Classification Sherloc (09022015). Collection method: clinical testing. Allele origin: germline.
Comment: This sequence change creates a premature translational stop signal (p.Arg233*) in the DMXL2 gene. It is expected to result in an absent or disrupted protein product. Loss-of-function variants in DMXL2 are known to be pathogenic (PMID: 30237576, 31688942). This variant is present in population databases (no rsID available, gnomAD 0.003%). This variant has not been reported in the literature in individuals affected with DMXL2-related conditions. Algorithms developed to predict the effect of sequence changes on RNA splicing suggest that this variant may disrupt the consensus splice site. For these reasons, this variant has been classified as Pathogenic.

Literature cited by the submitters: PubMed 30237576; PubMed 31688942.

NM_001378457.1(DMXL2):c.697C>T (p.Arg233Ter)

Gene: DMXL2 (Dmx like 2; minus strand). Cytogenetic location: 15q21.2.
Variant type: single nucleotide variant.
Coding change: c.697C>T on transcript NM_001378457.1 (MANE Select); coding-DNA position 697, C replaced by T.
Protein change: p.Arg233Ter; replaces arginine 233 with a stop codon.
Molecular consequence: nonsense. On other transcripts: non-coding transcript variant (2).
Genome position (GRCh38, 1-based): chr15:51,547,279, G>A on the plus strand (C>T on the coding strand, the complement: DMXL2 is on the minus strand). VCF-style: chr15-51547279-G-A. GRCh37 (hg19) VCF-style: chr15-51839476-G-A.
Other names: c.697C>T, p.Arg233Ter (NM_001174116.3, NM_001174117.3, NM_001378458.1 and 7 more transcripts); short protein forms R233*.
Identifiers: ClinVar variation 4808492 (VCV004808492.1).